The following is an entry in ClinVar:

ClinVar aggregate classification (germline): Uncertain significance (1 of 4 stars; one submission).

Allele frequency attached by ClinVar (database versions not stated): gnomAD 0.00001; gnomAD exomes 0.00001; TOPMed 0.00001; ExAC 0.00005.
gnomAD v4.1: 10 of 1,571,394 alleles (0.00064%); highest among the groups gnomAD compares: Non-Finnish European, 0.00026%; no homozygotes.

Submission:

Labcorp Genetics (formerly Invitae), Labcorp
Classification: Uncertain significance. Last evaluated: 2022-03-04. Review status: criteria provided, single submitter. Criteria: Invitae Variant Classification Sherloc (09022015). Collection method: clinical testing. Allele origin: germline.
Comment: In summary, the available evidence is currently insufficient to determine the role of this variant in disease. Therefore, it has been classified as a Variant of Uncertain Significance. Algorithms developed to predict the effect of missense changes on protein structure and function are either unavailable or do not agree on the potential impact of this missense change (SIFT: "Deleterious"; PolyPhen-2: "Probably Damaging"; Align-GVGD: "Class C15"). This variant has not been reported in the literature in individuals affected with SNX14-related conditions. This variant is present in population databases (rs749420274, gnomAD 0.05%). This sequence change replaces aspartic acid, which is acidic and polar, with asparagine, which is neutral and polar, at codon 699 of the SNX14 protein (p.Asp699Asn).

NM_153816.6(SNX14):c.2095G>A (p.Asp699Asn)

Gene: SNX14 (sorting nexin 14; minus strand). Cytogenetic location: 6q14.3.
Variant type: single nucleotide variant.
Coding change: c.2095G>A on transcript NM_153816.6 (MANE Select); coding-DNA position 2095, G replaced by A.
Protein change: p.Asp699Asn; replaces aspartic acid 699 with asparagine.
Molecular consequence: missense variant. On other transcripts: non-coding transcript variant (6).
Genome position (GRCh38, 1-based): chr6:85,526,138, C>T on the plus strand (G>A on the coding strand, the complement: SNX14 is on the minus strand). VCF-style: chr6-85526138-C-T. GRCh37 (hg19) VCF-style: chr6-86235856-C-T.
Other names: c.2068G>A, p.Asp690Asn (NM_001297614.3, NM_001350541.2); c.1939G>A, p.Asp647Asn (NM_001304479.2); c.2158G>A, p.Asp720Asn (NM_001350532.2); c.2092G>A, p.Asp698Asn (NM_001350533.2, NM_001350535.2); c.2065G>A, p.Asp689Asn (NM_001350534.2); c.1963G>A, p.Asp655Asn (NM_001350536.2); c.1960G>A, p.Asp654Asn (NM_001350537.2); c.1951G>A, p.Asp651Asn (NM_001350538.2); and 9 more; short protein forms D603N, D651N, D689N, D690N, D720N, D654N, D655N, D349N.
Identifiers: ClinVar variation 1924226 (VCV001924226.5), dbSNP rs749420274, ClinGen allele CA3911964.
Genomic context (GRCh38, chr6:85,526,138, plus strand): 5'-GATTCTTTTCAGCTTATTATCTTATAATGATTCTTTAAATTGACTTACCAAGATTTACAT[C>T]TGGTAGTATCTTATCAAGAAATTGTGTTTCCCCACCATTAGGGGAAAGAAAGTCTGCCAG-3'
Protein context (NP_722523.1, residues 689-709): ETQFLDKILP[Asp699Asn]VNLGKIIKSV